The following is an entry in ClinVar:

ClinVar aggregate classification (germline): Uncertain significance (1 of 4 stars; one submission).

Submission:

GeneDx
Classification: Uncertain significance. Last evaluated: 2024-04-24. Review status: criteria provided, single submitter. Criteria: GeneDx Variant Classification Process June 2021. Collection method: clinical testing. Allele origin: germline.
Comment: Not observed at significant frequency in large population cohorts (gnomAD); In silico analysis supports that this missense variant has a deleterious effect on protein structure/function; Has not been previously published as pathogenic or benign to our knowledge

NM_001378418.1(TCF20):c.5176C>T (p.Pro1726Ser)

Gene: TCF20 (transcription factor 20; minus strand). Cytogenetic location: 22q13.2.
Variant type: single nucleotide variant.
Coding change: c.5176C>T on transcript NM_001378418.1 (MANE Select); coding-DNA position 5176, C replaced by T.
Protein change: p.Pro1726Ser; replaces proline 1726 with serine.
Molecular consequence: missense variant.
Genome position (GRCh38, 1-based): chr22:42,210,130, G>A on the plus strand (C>T on the coding strand, the complement: TCF20 is on the minus strand). VCF-style: chr22-42210130-G-A. GRCh37 (hg19) VCF-style: chr22-42606136-G-A.
Other names: c.5176C>T, p.Pro1726Ser (NM_005650.4, NM_181492.3); short protein forms P1726S.
Identifiers: ClinVar variation 1686727 (VCV001686727.3), dbSNP rs2147196163, ClinGen allele CA411782317.